The following is an entry in ClinVar:

NM_001378454.1(ALMS1):c.4360G>T (p.Glu1454Ter)

Gene: ALMS1 (ALMS1 centrosome and basal body associated protein; plus strand). Cytogenetic location: 2p13.1.
Variant type: single nucleotide variant.
Coding change: c.4360G>T on transcript NM_001378454.1 (MANE Select); coding-DNA position 4360, G replaced by T.
Protein change: p.Glu1454Ter; replaces glutamic acid 1454 with a stop codon.
Molecular consequence: nonsense.
Genome position (GRCh38, 1-based): chr2:73,450,887, G>T. VCF-style: chr2-73450887-G-T. GRCh37 (hg19) VCF-style: chr2-73678014-G-T.
Other names: c.4363G>T, p.Glu1455Ter (NM_015120.4); short protein forms E1454*, E1455*.
Identifiers: ClinVar variation 2734227 (VCV002734227.4), dbSNP rs768816557, ClinGen allele CA347278383.

ClinVar aggregate classification (germline): Pathogenic/Likely pathogenic. Review status: criteria provided, multiple submitters, no conflicts (2 of 4 stars). 2 submissions from 2 submitters: Pathogenic (1); Likely pathogenic (1). Last evaluated 2024-02-25.

Conditions:
Alstrom syndrome (ALMS). Identifiers: Orphanet 64, MedGen C0268425, MONDO:0008763, OMIM 203800.

Submissions (2):

Natera, Inc.
Classification: Likely pathogenic for Alstrom syndrome. Last evaluated: 2024-02-25. Review status: criteria provided, single submitter. Criteria: Natera Variant Classification Schema (03/2026). Collection method: clinical testing. Allele origin: germline.
Comment: The c.4363G>T variant in ALMS1 is a nonsense variant predicted to introduce a stop codon at amino acid 1455. This variant is expected to result in nonsense mediated decay, truncation, or a dysfunctional protein product. This variant is rare in the general population with a frequency below the threshold expected for the associated phenotype(s). Given the available evidence, this variant is classified as Likely Pathogenic.

Labcorp Genetics (formerly Invitae), Labcorp
Classification: Pathogenic for Alstrom syndrome. Last evaluated: 2023-02-20. Review status: criteria provided, single submitter. Criteria: Invitae Variant Classification Sherloc (09022015). Collection method: clinical testing. Allele origin: germline.
Comment: For these reasons, this variant has been classified as Pathogenic. This premature translational stop signal has been observed in individual(s) with Alstrom syndrome (PMID: 25846608). This variant is not present in population databases (gnomAD no frequency). This sequence change creates a premature translational stop signal (p.Glu1455*) in the ALMS1 gene. It is expected to result in an absent or disrupted protein product. Loss-of-function variants in ALMS1 are known to be pathogenic (PMID: 17594715).

Literature cited by the submitters: PubMed 25846608 (cited by Labcorp Genetics (formerly Invitae), Labcorp); PubMed 17594715 (cited by Labcorp Genetics (formerly Invitae), Labcorp).